The following is an entry in ClinVar:

ClinVar aggregate classification (germline): Benign/Likely benign. Review status: criteria provided, multiple submitters, no conflicts (2 of 4 stars). 2 submissions from 2 submitters: Benign (1); Likely benign (1). Last evaluated 2026-03-01.

gnomAD v4.1: 6,858 of 1,612,970 alleles (0.43%); highest among the groups gnomAD compares: Non-Finnish European, 0.55%; 24 homozygotes.

Submissions (2):

CeGaT Center for Human Genetics Tuebingen
Classification: Benign. Last evaluated: 2026-03-01. Review status: criteria provided, single submitter. Criteria: CeGaT Center For Human Genetics Tuebingen Variant Classification Criteria Version 2. Collection method: clinical testing. Allele origin: germline. Affected: yes. Observed: 2 variant alleles.
Comment: MED12L: BP4, BP7, BS1, BS2

Blueprint Genetics
Classification: Likely benign. Last evaluated: 2024-11-07. Review status: criteria provided, single submitter. Criteria: ACMG Guidelines, 2015. Collection method: clinical testing. Allele origin: germline.

NM_001393769.1(MED12L):c.6519G>A (p.Pro2173=)

Genes: IGSF10 (immunoglobulin superfamily member 10; minus strand), MED12L (mediator complex subunit 12L; plus strand). Cytogenetic location: 3q25.1.
Variant type: single nucleotide variant.
Coding change: c.6519G>A on transcript NM_001393769.1 (MANE Select); coding-DNA position 6519, G replaced by A.
Protein change: p.Pro2173=; no amino-acid change (proline 2173 retained).
Molecular consequence: synonymous variant.
Genome position (GRCh38, 1-based): chr3:151,432,780, G>A. VCF-style: chr3-151432780-G-A. GRCh37 (hg19) VCF-style: chr3-151150568-G-A.
Other names: c.6414G>A, p.Pro2138= (NM_053002.6).
Identifiers: ClinVar variation 4083637 (VCV004083637.9).
Genomic context (GRCh38, chr3:151,432,780, plus strand): 5'-GTAATTTTGGTTCAATTTATTTTTCTCCTTAGGCAACCAGCCACAGCAAGGAGTGACTCC[G>A]TATGGGCATCCTTCACACTTCTGAATCTGCAAGAGGAGAAGACATGACGTTTTATGTTTG-3'
Protein context (NP_001380698.1, residues 2163-2180): SSNQPQQGVT[Pro2173=]YGHPSHF